The following is an entry in ClinVar:

NM_002691.4(POLD1):c.606C>G (p.His202Gln)

Gene: POLD1 (DNA polymerase delta 1, catalytic subunit; plus strand). Cytogenetic location: 19q13.33.
Variant type: single nucleotide variant.
Coding change: c.606C>G on transcript NM_002691.4 (MANE Select); coding-DNA position 606, C replaced by G.
Protein change: p.His202Gln; replaces histidine 202 with glutamine.
Molecular consequence: missense variant. On other transcripts: non-coding transcript variant (1).
Genome position (GRCh38, 1-based): chr19:50,402,221, C>G. VCF-style: chr19-50402221-C-G. GRCh37 (hg19) VCF-style: chr19-50905478-C-G.
Other names: c.606C>G, p.His202Gln (NM_001256849.1, NM_001308632.1); short protein forms H202Q.
Identifiers: ClinVar variation 1751369 (VCV001751369.2), dbSNP rs200405635, ClinGen allele CA406973840.

ClinVar aggregate classification (germline): Uncertain significance (1 of 4 stars; one submission).

Conditions:
Hereditary cancer-predisposing syndrome. Also called: Hereditary Cancer Syndrome; Hereditary neoplastic syndrome; Neoplastic Syndromes, Hereditary; Tumor predisposition. Identifiers: Orphanet 140162, MedGen C0027672, MeSH D009386, MONDO:0015356.

Submission:

Ambry Genetics
Classification: Uncertain significance for Hereditary cancer-predisposing syndrome. Last evaluated: 2022-03-16. Review status: criteria provided, single submitter. Criteria: Ambry Variant Classification Scheme 2023. Collection method: clinical testing. Allele origin: germline.
Comment: The p.H202Q variant (also known as c.606C>G), located in coding exon 5 of the POLD1 gene, results from a C to G substitution at nucleotide position 606. The histidine at codon 202 is replaced by glutamine, an amino acid with highly similar properties. This amino acid position is conserved. In addition, this alteration is predicted to be tolerated by in silico analysis. Since supporting evidence is limited at this time, the clinical significance of this alteration remains unclear.